The following is an entry in ClinVar:

NM_000153.4(GALC):c.749T>C (p.Ile250Thr)

Gene: GALC (galactosylceramidase; minus strand). Cytogenetic location: 14q31.3.
Variant type: single nucleotide variant.
Coding change: c.749T>C on transcript NM_000153.4 (MANE Select); coding-DNA position 749, T replaced by C.
Protein change: p.Ile250Thr; replaces isoleucine 250 with threonine.
Molecular consequence: missense variant.
Genome position (GRCh38, 1-based): chr14:87,976,361, A>G on the plus strand (T>C on the coding strand, the complement: GALC is on the minus strand). VCF-style: chr14-87976361-A-G. GRCh37 (hg19) VCF-style: chr14-88442705-A-G.
Other names: c.680T>C, p.Ile227Thr (NM_001201401.2); c.671T>C, p.Ile224Thr (NM_001201402.2); short protein forms I250T, I227T, I224T.
Identifiers: ClinVar variation 265479 (VCV000265479.24), dbSNP rs886039569, ClinGen allele CA10588577.

ClinVar aggregate classification (germline): Pathogenic/Likely pathogenic. Review status: criteria provided, multiple submitters, no conflicts (2 of 4 stars). 10 submissions from 10 submitters: Pathogenic (8); Likely pathogenic (1). 1 of the submissions does not count toward it. Last evaluated 2025-07-17.

Conditions:
GALC-related disorders.
Galactosylceramide beta-galactosidase deficiency. Also called: Leukodystrophy, Globoid Cell; GALACTOCEREBROSIDASE DEFICIENCY; GALC DEFICIENCY; GLOBOID CELL LEUKOENCEPHALOPATHY; Krabbe Disease. Identifiers: Orphanet 487, MedGen C0023521, MONDO:0009499, OMIM 245200.

Allele frequency attached by ClinVar (database versions not stated): gnomAD exomes 0.00001.
gnomAD v4.1: 10 of 1,613,996 alleles (0.00062%); highest among the groups gnomAD compares: South Asian, 0.0022%; no homozygotes.

Submissions (10):

Variantyx, Inc.
Classification: Pathogenic for Galactosylceramide beta-galactosidase deficiency. Last evaluated: 2025-07-17. Review status: criteria provided, single submitter. Criteria: Variantyx Assertion Criteria 2022. Collection method: clinical testing. Allele origin: germline. Inheritance: Autosomal recessive inheritance.
Comment: This is a nonsynonymous variant in the GALC gene (OMIM: 606890). Pathogenic variants in this gene have been associated with autosomal recessive Krabbe disease. Functional studies have shown that this variant alters GALC protein function (PMID: 8940268, 20410102) (PS3), and multiple computational algorithms predict a deleterious effect for this variant (REVEL score: 0.961) (PP3). This variant has a 0.0023% maximum allele frequency in non-founder control populations (PM2). Based on the current evidence, this variant is classified as pathogenic for autosomal recessive Krabbe disease. This variant was reported by previous genetic testing.

Natera, Inc.
Classification: Pathogenic for Galactosylceramide beta-galactosidase deficiency. Last evaluated: 2025-05-05. Review status: criteria provided, single submitter. Criteria: Natera Variant Classification Schema (03/2026). Collection method: clinical testing. Allele origin: germline.
Comment: The c.749T>C variant in GALC is a missense variant predicted to cause substitution of isoleucine to threonine at amino acid 250. This variant is rare in the general population with a frequency below the threshold expected for the associated phenotype(s). This variant has been observed in one or more individuals affected with the associated recessive disease, as either homozygous or compound heterozygous with a second variant (PMID: 26108647, 16607461, 20886637). Additionally, this variant has been observed to segregate in affected family members (PMID: 26108647). Functional studies show that this variant may disrupt protein function (PMID: 8940268). Computational prediction algorithms indicate this variant is likely to affect gene or protein function. Given the available evidence, this variant is classified as Pathogenic.

Labcorp Genetics (formerly Invitae), Labcorp
Classification: Pathogenic for Galactosylceramide beta-galactosidase deficiency. Last evaluated: 2025-03-27. Review status: criteria provided, single submitter. Criteria: Invitae Variant Classification Sherloc (09022015). Collection method: clinical testing. Allele origin: germline.
Comment: This sequence change replaces isoleucine, which is neutral and non-polar, with threonine, which is neutral and polar, at codon 250 of the GALC protein (p.Ile250Thr). This variant is present in population databases (no rsID available, gnomAD 0.002%). This missense change has been observed in individual(s) with Krabbe disease (PMID: 8940268, 27442402). In at least one individual the data is consistent with being in trans (on the opposite chromosome) from a pathogenic variant. This variant is also known as c.701T>C (p.I234T). ClinVar contains an entry for this variant (Variation ID: 265479). Invitae Evidence Modeling of protein sequence and biophysical properties (such as structural, functional, and spatial information, amino acid conservation, physicochemical variation, residue mobility, and thermodynamic stability) indicates that this missense variant is expected to disrupt GALC protein function with a positive predictive value of 95%. Experimental studies have shown that this missense change affects GALC function (PMID: 8940268). For these reasons, this variant has been classified as Pathogenic.

Blueprint Genetics
Classification: Pathogenic for GALC-related disorders. Last evaluated: 2024-09-06. Review status: criteria provided, single submitter. Criteria: ACMG Guidelines, 2015. Collection method: clinical testing. Allele origin: germline. Affected: yes. Observed: 5 variant alleles.

Revvity Omics, Revvity
Classification: Pathogenic. Last evaluated: 2022-12-08. Review status: criteria provided, single submitter. Criteria: ACMG Guidelines, 2015. Collection method: clinical testing. Allele origin: germline.

Laboratory of Medical Genetics, National & Kapodistrian University of Athens
Classification: Pathogenic for Galactosylceramide beta-galactosidase deficiency. Last evaluated: 2021-10-05. Review status: criteria provided, single submitter. Criteria: ACMG Guidelines, 2015. Collection method: clinical testing. Allele origin: paternal. Affected: yes.
Comment: PM2, PP2, PP3, PM3, PP5

Illumina Laboratory Services, Illumina
Classification: Pathogenic for Galactosylceramide beta-galactosidase deficiency. Last evaluated: 2020-02-13. Review status: criteria provided, single submitter. Criteria: ICSLVariantClassificationCriteria RUGD 01 April 2020. Collection method: clinical testing. Allele origin: unknown.
Comment: The GALC c.749T>C (p.Ile250Thr) variant is a missense variant that has been recognized as a common variant in individuals with Krabbe disease who are of Greek ancestry. Across a selection of the available literature, this variant, which was previously referred to as p.Ile234Thr, has been reported in a homozygous state in at least four unrelated individuals and in a compound heterozygous state in two individuals (De Gasperi et al. 1996; Dimitriou et al. 2016). Age of onset was in the neonatal period or first few years of life. Functional studies in COS cells and in the human CNS-derived cell line H4 demonstrated negligible residual enzyme activity compared to WT as well as disrupted precursor processing (De Gasperi et al. 1996; Lee et al. 2010). Based on the collective evidence, the p.Ile250Thr variant is classified as pathogenic for Krabbe disease.

GeneDx
Classification: Pathogenic. Last evaluated: 2019-12-11. Review status: criteria provided, single submitter. Criteria: GeneDx Variant Classification Process June 2021. Collection method: clinical testing. Allele origin: germline. Affected: yes.
Comment: Not observed at a significant frequency in large population cohorts (Lek et al., 2016); In silico analysis, which includes protein predictors and evolutionary conservation, supports a deleterious effect; This variant is associated with the following publications: (PMID: 8940268, 30209698, 20410102, 25525159, 20886637, no PMID, 27442402, 27638593, 27785412, 26108647, 33190188)

Centre for Mendelian Genomics, University Medical Centre Ljubljana
Classification: Likely pathogenic for Galactosylceramide beta-galactosidase deficiency. Last evaluated: 2016-01-01. Review status: criteria provided, single submitter. Criteria: ACMG Guidelines, 2015. Collection method: clinical testing. Allele origin: unknown. Affected: yes.
Comment: This variant was classified as: Likely pathogenic. The following ACMG criteria were applied in classifying this variant: PS1,PM2,PP2,PP3.

Counsyl
Classification: Pathogenic for Galactosylceramide beta-galactosidase deficiency. Last evaluated: 2016-11-16. Review status: no assertion criteria provided. Collection method: clinical testing. Allele origin: unknown. Not counted in ClinVar's aggregate classification.

Literature cited by the submitters: PubMed 8940268 (cited by 5 submitters); PubMed 20410102 (cited by 3 submitters); PubMed 27442402 (cited by 3 submitters); PubMed 26108647 (cited by 4 submitters); PubMed 16607461 (cited by Natera, Inc. and Counsyl); PubMed 20886637 (cited by Natera, Inc. and Counsyl); PubMed 9338580 (cited by Counsyl).